The following is an entry in ClinVar:

NM_001379451.1(BCORL1):c.5007T>C (p.Asp1669=)

Gene: BCORL1 (BCL6 corepressor like 1; plus strand). Cytogenetic location: Xq26.1.
Variant type: single nucleotide variant.
Coding change: c.5007T>C on transcript NM_001379451.1 (MANE Select); coding-DNA position 5007, T replaced by C.
Protein change: p.Asp1669=; no amino-acid change (aspartic acid 1669 retained).
Molecular consequence: synonymous variant.
Genome position (GRCh38, 1-based): chrX:130,051,948, T>C. VCF-style: chrX-130051948-T-C. GRCh37 (hg19) VCF-style: chrX-129185923-T-C.
Other names: c.5007T>C, p.Asp1669= (NM_001184772.3, NM_001379450.1); c.4785T>C, p.Asp1595= (NM_021946.5).
Identifiers: ClinVar variation 2661426 (VCV002661426.24), dbSNP rs2522959458, ClinGen allele CA518473348.

ClinVar aggregate classification (germline): Likely benign (1 of 4 stars; one submission).

Submission:

CeGaT Center for Human Genetics Tuebingen
Classification: Likely benign. Last evaluated: 2023-05-01. Review status: criteria provided, single submitter. Criteria: CeGaT Center For Human Genetics Tuebingen Variant Classification Criteria Version 2. Collection method: clinical testing. Allele origin: germline. Affected: yes. Observed: 1 variant allele.
Comment: BCORL1: PM2:Supporting, BP4, BP7